The following is an entry in ClinVar:

NM_001048174.2(MUTYH):c.854A>C (p.Glu285Ala)

Gene: MUTYH (mutY DNA glycosylase; minus strand). Cytogenetic location: 1p34.1.
Variant type: single nucleotide variant.
Coding change: c.854A>C on transcript NM_001048174.2 (MANE Select); coding-DNA position 854, A replaced by C.
Protein change: p.Glu285Ala; replaces glutamic acid 285 with alanine.
Molecular consequence: missense variant. On other transcripts: non-coding transcript variant (7).
Genome position (GRCh38, 1-based): chr1:45,332,082, T>G on the plus strand (A>C on the coding strand, the complement: MUTYH is on the minus strand). VCF-style: chr1-45332082-T-G. GRCh37 (hg19) VCF-style: chr1-45797754-T-G.
Other names: c.854A>C, p.Glu285Ala (NM_001048173.2, NM_001293195.2, NM_001407081.1 and 6 more transcripts); c.938A>C, p.Glu313Ala (NM_001128425.2); c.899A>C, p.Glu300Ala (NM_001293190.2); c.887A>C, p.Glu296Ala (NM_001293191.2, NM_001407069.1, NM_001407077.1); c.578A>C, p.Glu193Ala (NM_001293192.2, NM_001293196.2, NM_001407091.1); c.815A>C, p.Glu272Ala (NM_001407079.1); c.812A>C, p.Glu271Ala (NM_001407080.1); c.509A>C, p.Glu170Ala (NM_001407082.1, NM_001350650.2, NM_001350651.2); and 5 more; short protein forms E193A, E257A, E285A, E313A, E292A, E296A, E299A, E286A.
Identifiers: ClinVar variation 4113919 (VCV004113919.1).

ClinVar aggregate classification (germline): Uncertain significance (1 of 4 stars; one submission).

Conditions:
Hereditary cancer-predisposing syndrome. Also called: Hereditary neoplastic syndrome; Neoplastic Syndromes, Hereditary; Tumor predisposition; Hereditary Cancer Syndrome. Identifiers: Orphanet 140162, MedGen C0027672, MeSH D009386, MONDO:0015356.

Submission:

Ambry Genetics
Classification: Uncertain significance for Hereditary cancer-predisposing syndrome. Last evaluated: 2025-08-27. Review status: criteria provided, single submitter. Criteria: Ambry Variant Classification Scheme 2023. Collection method: clinical testing. Allele origin: germline.
Comment: The p.E313A variant (also known as c.938A>C), located in coding exon 11 of the MUTYH gene, results from an A to C substitution at nucleotide position 938. The glutamic acid at codon 313 is replaced by alanine, an amino acid with dissimilar properties. This amino acid position is conserved. In addition, this alteration is predicted to be tolerated by in silico analysis. Based on the available evidence, the clinical significance of this variant remains unclear.